The following is an entry in ClinVar:

ClinVar aggregate classification (germline): Uncertain significance (1 of 4 stars; one submission).

Submission:

Labcorp Genetics (formerly Invitae), Labcorp
Classification: Uncertain significance. Last evaluated: 2022-06-12. Review status: criteria provided, single submitter. Criteria: Invitae Variant Classification Sherloc (09022015). Collection method: clinical testing. Allele origin: germline.
Comment: In summary, the available evidence is currently insufficient to determine the role of this variant in disease. Therefore, it has been classified as a Variant of Uncertain Significance. Algorithms developed to predict the effect of missense changes on protein structure and function are either unavailable or do not agree on the potential impact of this missense change (SIFT: "Tolerated"; PolyPhen-2: "Probably Damaging"; Align-GVGD: "Class C0"). This variant has not been reported in the literature in individuals affected with FAM20C-related conditions. This variant is not present in population databases (gnomAD no frequency). This sequence change replaces leucine, which is neutral and non-polar, with methionine, which is neutral and non-polar, at codon 14 of the FAM20C protein (p.Leu14Met).

NM_020223.4(FAM20C):c.40C>A (p.Leu14Met)

Gene: FAM20C (FAM20C golgi associated secretory pathway kinase; plus strand). Cytogenetic location: 7p22.3.
Variant type: single nucleotide variant.
Coding change: c.40C>A on transcript NM_020223.4 (MANE Select); coding-DNA position 40, C replaced by A.
Protein change: p.Leu14Met; replaces leucine 14 with methionine.
Molecular consequence: missense variant.
Genome position (GRCh38, 1-based): chr7:193,239, C>A. VCF-style: chr7-193239-C-A. GRCh37 (hg19) VCF-style: chr7-193239-C-A.
Other names: short protein forms L14M.
Identifiers: ClinVar variation 2005299 (VCV002005299.4), dbSNP rs1242057966, ClinGen allele CA366522084.